The following is an entry in ClinVar:

NM_015425.6(POLR1A):c.4138G>T (p.Ala1380Ser)

Gene: POLR1A (RNA polymerase I subunit A; minus strand). Cytogenetic location: 2p11.2.
Variant type: single nucleotide variant.
Coding change: c.4138G>T on transcript NM_015425.6 (MANE Select); coding-DNA position 4138, G replaced by T.
Protein change: p.Ala1380Ser; replaces alanine 1380 with serine.
Molecular consequence: missense variant.
Genome position (GRCh38, 1-based): chr2:86,033,684, C>A on the plus strand (G>T on the coding strand, the complement: POLR1A is on the minus strand). VCF-style: chr2-86033684-C-A. GRCh37 (hg19) VCF-style: chr2-86260807-C-A.
Other names: short protein forms A1380S.
Identifiers: ClinVar variation 2052299 (VCV002052299.4), dbSNP rs546896040, ClinGen allele CA347548593.

ClinVar aggregate classification (germline): Uncertain significance (1 of 4 stars; one submission).

Submission:

Labcorp Genetics (formerly Invitae), Labcorp
Classification: Uncertain significance. Last evaluated: 2024-12-16. Review status: criteria provided, single submitter. Criteria: Invitae Variant Classification Sherloc (09022015). Collection method: clinical testing. Allele origin: germline.
Comment: This sequence change replaces alanine, which is neutral and non-polar, with serine, which is neutral and polar, at codon 1380 of the POLR1A protein (p.Ala1380Ser). This variant is not present in population databases (gnomAD no frequency). This variant has not been reported in the literature in individuals affected with POLR1A-related conditions. ClinVar contains an entry for this variant (Variation ID: 2052299). Invitae Evidence Modeling of protein sequence and biophysical properties (such as structural, functional, and spatial information, amino acid conservation, physicochemical variation, residue mobility, and thermodynamic stability) indicates that this missense variant is not expected to disrupt POLR1A protein function with a negative predictive value of 80%. In summary, the available evidence is currently insufficient to determine the role of this variant in disease. Therefore, it has been classified as a Variant of Uncertain Significance.